The following is an entry in ClinVar:

ClinVar aggregate classification (germline): Likely benign. Review status: criteria provided, multiple submitters, no conflicts (2 of 4 stars). 2 submissions from 2 submitters: Likely benign (2). Last evaluated 2026-02-23.

Conditions:
SLC35A2-related disorder. Also called: SLC35A2-related condition.

Allele frequency attached by ClinVar (database versions not stated): gnomAD exomes 0.00004 and 0.00015; gnomAD 0.00005 and 0.00007; TOPMed 0.00006; ExAC 0.00020; 1000 Genomes Project 0.00079; 1000 Genomes Project 30x 0.00146.

Submissions (2):

PreventionGenetics, part of Exact Sciences
Classification: Likely benign for SLC35A2-related condition. Last evaluated: 2026-02-23. Review status: criteria provided, single submitter. Criteria: ACMG Guidelines, 2015. Collection method: clinical testing. Allele origin: germline.
Comment: This variant is classified as likely benign based on ACMG/AMP sequence variant interpretation guidelines (Richards et al. 2015 PMID: 25741868, with internal and published modifications).

GeneDx
Classification: Likely benign. Last evaluated: 2016-04-14. Review status: criteria provided, single submitter. Criteria: GeneDx Variant Classification (06012015). Collection method: clinical testing. Allele origin: germline. Affected: yes.
Comment: This variant is considered likely benign or benign based on one or more of the following criteria: it is a conservative change, it occurs at a poorly conserved position in the protein, it is predicted to be benign by multiple in silico algorithms, and/or has population frequency not consistent with disease.

NM_005660.3(SLC35A2):c.1163+44_1163+47del

Gene: SLC35A2 (solute carrier family 35 member A2; minus strand). Cytogenetic location: Xp11.23.
Variant type: Deletion.
Coding change: c.1163+44_1163+47del on transcript NM_005660.3 (MANE Select); bases 44 to 47 of the intron after coding-DNA position 1163, 4 bases deleted (AAGG; older notation c.1163+44_1163+47delAAGG).
Molecular consequence: intron variant. On other transcripts: frameshift variant (2), 3 prime UTR variant (4).
Genome position (GRCh38, 1-based): chrX:48,904,699-48,904,702, CCTT deleted on the plus strand (AAGG on the coding strand, the reverse complement: SLC35A2 is on the minus strand). VCF-style (leftmost placement, unchanged base first): chrX-48904698-CCCTT-C. GRCh37 (hg19) VCF-style: chrX-48761975-CCCTT-C.
Other names: c.617_620del, p.Gln206fs (NM_001032289.3); c.*25_*28del (NM_001042498.3, NM_001282649.2, NM_001282650.2 and 1 more transcripts); c.545_548del, p.Gln182fs (NM_001282648.2); c.573+44_573+47del (NM_001282647.2); c.617_620delAAGG (NM_001032289.2); short protein forms Q206fs, Q182fs.
Identifiers: ClinVar variation 420723 (VCV000420723.2), dbSNP rs56243326, ClinGen allele CA10406036.